The following is an entry in ClinVar:

ClinVar aggregate classification (germline): Uncertain significance. Review status: criteria provided, multiple submitters, no conflicts (2 of 4 stars). 2 submissions from 2 submitters: Uncertain significance (2). Last evaluated 2025-08-11.

gnomAD v4.1: 3 of 1,612,570 alleles (0.00019%); highest among the groups gnomAD compares: Admixed American, 0.0017%; no homozygotes.

Submissions (2):

Ambry Genetics
Classification: Uncertain significance. Last evaluated: 2025-08-11. Review status: criteria provided, single submitter. Criteria: Ambry Variant Classification Scheme 2023. Collection method: clinical testing. Allele origin: germline.

Labcorp Genetics (formerly Invitae), Labcorp
Classification: Uncertain significance. Last evaluated: 2024-04-27. Review status: criteria provided, single submitter. Criteria: Invitae Variant Classification Sherloc (09022015). Collection method: clinical testing. Allele origin: germline.
Comment: This sequence change replaces arginine, which is basic and polar, with glutamine, which is neutral and polar, at codon 236 of the RELA protein (p.Arg236Gln). This variant is present in population databases (rs765033710, gnomAD 0.004%). This variant has not been reported in the literature in individuals affected with RELA-related conditions. An algorithm developed to predict the effect of missense changes on protein structure and function (PolyPhen-2) suggests that this variant is likely to be tolerated. In summary, the available evidence is currently insufficient to determine the role of this variant in disease. Therefore, it has been classified as a Variant of Uncertain Significance.

NM_021975.4(RELA):c.707G>A (p.Arg236Gln)

Gene: RELA (RELA proto-oncogene, NF-kB subunit; minus strand). Cytogenetic location: 11q13.1.
Variant type: single nucleotide variant.
Coding change: c.707G>A on transcript NM_021975.4 (MANE Select); coding-DNA position 707, G replaced by A.
Protein change: p.Arg236Gln; replaces arginine 236 with glutamine.
Molecular consequence: missense variant. On other transcripts: intron variant (2).
Genome position (GRCh38, 1-based): chr11:65,658,457, C>T on the plus strand (G>A on the coding strand, the complement: RELA is on the minus strand). VCF-style: chr11-65658457-C-T. GRCh37 (hg19) VCF-style: chr11-65425928-C-T.
Other names: c.707G>A (NM_021975.3); c.698G>A, p.Arg233Gln (NM_001145138.2); c.707G>A, p.Arg236Gln (NM_001243984.2, NM_001243985.2); c.740G>A, p.Arg247Gln (NM_001404657.1); c.680G>A, p.Arg227Gln (NM_001404658.1); c.326G>A, p.Arg109Gln (NM_001404661.1); c.614G>A, p.Arg205Gln (NM_001404662.1, NM_001404663.1); c.559+1209G>A (NM_001404660.1); and 1 more; short protein forms R109Q, R205Q, R227Q, R233Q, R236Q, R247Q.
Identifiers: ClinVar variation 3617352 (VCV003617352.3).